The following is an entry in ClinVar:

ClinVar aggregate classification (germline): Benign. Review status: criteria provided, multiple submitters, no conflicts (2 of 4 stars). 6 submissions from 6 submitters: Benign (6). Last evaluated 2026-02-04.

Conditions:
Nephronophthisis 15 (NPHP15). Identifiers: Orphanet 3156, MedGen C3541853, MONDO:0013917, OMIM 614845.

Allele frequency attached by ClinVar (database versions not stated): 1000 Genomes Project 30x 0.52639; 1000 Genomes Project 0.52736; gnomAD exomes 0.53852 and 0.59742; ExAC 0.55186; TOPMed 0.58706; gnomAD 0.59706 and 0.60559; ESP Exome Variant Server 0.62783.
gnomAD v4.1: 962,767 of 1,613,544 alleles (60%); highest among the groups gnomAD compares: African/African-American, 65%; 292,162 homozygotes.

Submissions (6):

Labcorp Genetics (formerly Invitae), Labcorp
Classification: Benign for Nephronophthisis 15. Last evaluated: 2026-02-04. Review status: criteria provided, single submitter. Criteria: Invitae Variant Classification Sherloc (09022015). Collection method: clinical testing. Allele origin: germline.

Blueprint Genetics
Classification: Benign. Last evaluated: 2024-11-27. Review status: criteria provided, single submitter. Criteria: ACMG Guidelines, 2015. Collection method: clinical testing. Allele origin: germline.

GeneDx
Classification: Benign. Last evaluated: 2021-05-10. Review status: criteria provided, single submitter. Criteria: GeneDx Variant Classification Process June 2021. Collection method: clinical testing. Allele origin: germline. Affected: yes.

Laboratory for Molecular Medicine, Mass General Brigham Personalized Medicine
Classification: Benign. Last evaluated: 2016-03-29. Review status: criteria provided, single submitter. Criteria: LMM Criteria. Collection method: clinical testing. Allele origin: germline.
Comment: Variant identified in a genome or exome case(s) and assessed due to predicted null impact of the variant or pathogenic assertions in the literature or databases. Disclaimer: This variant has not undergone full assessment. The following are preliminary notes: Frequency

Breakthrough Genomics
Classification: Benign. Review status: criteria provided, single submitter. Criteria: ACMG Guidelines, 2015. Collection method: not provided. Allele origin: germline. Inheritance: Autosomal recessive inheritance. Affected: yes.

PreventionGenetics, part of Exact Sciences
Classification: Benign. Review status: criteria provided, single submitter. Criteria: ACMG Guidelines, 2015. Collection method: clinical testing. Allele origin: germline.

NM_014956.5(CEP164):c.3090-16A>C

Gene: CEP164 (centrosomal protein 164; plus strand). Cytogenetic location: 11q23.3.
Variant type: single nucleotide variant.
Coding change: c.3090-16A>C on transcript NM_014956.5 (MANE Select); 16 bases into the intron before coding-DNA position 3090, A replaced by C.
Molecular consequence: intron variant.
Genome position (GRCh38, 1-based): chr11:117,396,038, A>C. VCF-style: chr11-117396038-A-C. GRCh37 (hg19) VCF-style: chr11-117266754-A-C.
Other names: c.3099-16A>C (NM_001271933.2).
Identifiers: ClinVar variation 260483 (VCV000260483.17), dbSNP rs693147, ClinGen allele CA6295340.